The following is an entry in ClinVar:

NM_025114.4(CEP290):c.6818+5G>A

Gene: CEP290 (centrosomal protein 290; minus strand). Cytogenetic location: 12q21.32.
Variant type: single nucleotide variant.
Coding change: c.6818+5G>A on transcript NM_025114.4 (MANE Select); 5 bases into the intron after coding-DNA position 6818, G replaced by A.
Molecular consequence: intron variant.
Genome position (GRCh38, 1-based): chr12:88,058,843, C>T on the plus strand (G>A on the coding strand, the complement: CEP290 is on the minus strand). VCF-style: chr12-88058843-C-T. GRCh37 (hg19) VCF-style: chr12-88452620-C-T.
Identifiers: ClinVar variation 975663 (VCV000975663.7), dbSNP rs935214183, ClinGen allele CA241147571.

ClinVar aggregate classification (germline): Uncertain significance. Review status: criteria provided, multiple submitters, no conflicts (2 of 4 stars). 5 submissions from 5 submitters: Uncertain significance (3). 2 of the submissions do not count toward it. Last evaluated 2024-06-05.

Conditions:
Intellectual disability. Also called: Intellectual functioning disability; Intellectual developmental disorder; intellectual disabilities. Identifiers: MedGen C3714756, MeSH D008607, MONDO:0001071, HP:0001249.
Nephronophthisis. Also called: Juvenile Nephronophthisis. Identifiers: Orphanet 655, MedGen C0687120, MONDO:0019005, HP:0000090.
Meckel-Gruber syndrome. Also called: DYSENCEPHALIA SPLANCHNOCYSTICA; GRUBER SYNDROME; Dysencephalia splachnocystica. Identifiers: Orphanet 564, MedGen C0265215, MONDO:0018921.
Joubert syndrome. Also called: JOUBERT-BOLTSHAUSER SYNDROME; Familial aplasia of the vermis. Identifiers: Orphanet 475, MedGen C5979921, MONDO:0018772.
CEP290-related disorder. Also called: CEP290-related condition; CEP290-related disorders. Identifiers: MedGen CN239314.
Joubert syndrome 5 (JBTS5). Identifiers: Orphanet 2318, MedGen C1857780, MONDO:0012432, OMIM 610188.
Meckel syndrome, type 4 (MKS4). Also called: MECKEL-GRUBER SYNDROME, TYPE 4. Identifiers: Orphanet 564, MedGen C1970161, MONDO:0012626, OMIM 611134.
Senior-Loken syndrome 6 (SLSN6). Identifiers: Orphanet 3156, MedGen C1857779, MONDO:0012433, OMIM 610189.
Bardet-Biedl syndrome 14 (BBS14). Identifiers: Orphanet 110, MedGen C2673874, MONDO:0014442, OMIM 615991.
Leber congenital amaurosis 10 (LCA10). Identifiers: Orphanet 65, MedGen C1857821, MONDO:0012723, OMIM 611755.

Allele frequency attached by ClinVar (database versions not stated): gnomAD 0.00001; gnomAD exomes 0.00001 and 0.00003; TOPMed 0.00002.
gnomAD v4.1: 39 of 1,612,900 alleles (0.0024%); highest among the groups gnomAD compares: Middle Eastern, 0.016%; no homozygotes.

Submissions (5):

Fulgent Genetics
Classification: Uncertain significance for Joubert syndrome 5; Senior-Loken syndrome 6; Meckel syndrome, type 4; Leber congenital amaurosis 10; Bardet-Biedl syndrome 14. Last evaluated: 2024-06-05. Review status: criteria provided, single submitter. Criteria: ACMG Guidelines, 2015. Collection method: clinical testing. Allele origin: germline.

Blueprint Genetics
Classification: Uncertain significance. Last evaluated: 2023-04-19. Review status: criteria provided, single submitter. Criteria: ACMG Guidelines, 2015. Collection method: clinical testing. Allele origin: germline.

Labcorp Genetics (formerly Invitae), Labcorp
Classification: Uncertain significance for Joubert syndrome; Meckel-Gruber syndrome; Nephronophthisis. Last evaluated: 2022-08-20. Review status: criteria provided, single submitter. Criteria: Invitae Variant Classification Sherloc (09022015). Collection method: clinical testing. Allele origin: germline.
Comment: This sequence change falls in intron 49 of the CEP290 gene. It does not directly change the encoded amino acid sequence of the CEP290 protein. It affects a nucleotide within the consensus splice site. This variant is present in population databases (no rsID available, gnomAD 0.003%). This variant has not been reported in the literature in individuals affected with CEP290-related conditions. ClinVar contains an entry for this variant (Variation ID: 975663). Variants that disrupt the consensus splice site are a relatively common cause of aberrant splicing (PMID: 17576681, 9536098). Algorithms developed to predict the effect of sequence changes on RNA splicing suggest that this variant may disrupt the consensus splice site. In summary, the available evidence is currently insufficient to determine the role of this variant in disease. Therefore, it has been classified as a Variant of Uncertain Significance.

PreventionGenetics, part of Exact Sciences
Classification: Uncertain significance for CEP290-related condition. Last evaluated: 2023-11-21. Review status: no assertion criteria provided. Collection method: clinical testing. Allele origin: germline. Not counted in ClinVar's aggregate classification.
Comment: The CEP290 c.6818+5G>A variant is predicted to interfere with splicing. To our knowledge, this variant has not been reported in the literature. This variant is reported in 0.0027% of alleles in individuals of European (Non-Finnish) descent in gnomAD. At this time, the clinical significance of this variant is uncertain due to the absence of conclusive functional and genetic evidence.

Centre de Biologie Pathologie Génétique, Centre Hospitalier Universitaire de Lille
Classification: Likely benign for Intellectual disability. Last evaluated: 2019-01-01. Review status: no assertion criteria provided. Collection method: clinical testing. Allele origin: inherited. Affected: yes. Not counted in ClinVar's aggregate classification.

Literature cited by the submitters: PubMed 17576681 (cited by Labcorp Genetics (formerly Invitae), Labcorp); PubMed 9536098 (cited by Labcorp Genetics (formerly Invitae), Labcorp).